The following is an entry in ClinVar:

NM_006516.4(SLC2A1):c.1109T>C (p.Val370Ala)

Gene: SLC2A1 (solute carrier family 2 member 1; minus strand). Cytogenetic location: 1p34.2.
Variant type: single nucleotide variant.
Coding change: c.1109T>C on transcript NM_006516.4 (MANE Select); coding-DNA position 1109, T replaced by C.
Protein change: p.Val370Ala; replaces valine 370 with alanine.
Molecular consequence: missense variant.
Genome position (GRCh38, 1-based): chr1:42,927,774, A>G on the plus strand (T>C on the coding strand, the complement: SLC2A1 is on the minus strand). VCF-style: chr1-42927774-A-G. GRCh37 (hg19) VCF-style: chr1-43393445-A-G.
Other names: p.V370A:GTG>GCG; short protein forms V370A.
Identifiers: ClinVar variation 207208 (VCV000207208.10), dbSNP rs796053259, ClinGen allele CA318461.

ClinVar aggregate classification (germline): Uncertain significance. Review status: criteria provided, multiple submitters, no conflicts (2 of 4 stars). 7 submissions from 3 submitters: Uncertain significance (7). Last evaluated 2025-12-20.

Conditions:
Epilepsy, idiopathic generalized, susceptibility to, 12 (EIG12). Identifiers: MedGen C3553859, MONDO:0013919, OMIM 614847.
Childhood onset GLUT1 deficiency syndrome 2. Also called: GLUT1 deficiency syndrome 2; PxMD-SLC2A1; Exertion-induced paroxysmal dyskinesia; PAROXYSMAL EXERCISE-INDUCED DYSKINESIA WITH OR WITHOUT EPILEPSY AND/OR HEMOLYTIC ANEMIA; PAROXYSMAL EXERTION-INDUCED DYSTONIA WITH OR WITHOUT EPILEPSY AND/OR HEMOLYTIC ANEMIA; PED WITH OR WITHOUT EPILEPSY AND/OR HEMOLYTIC ANEMIA. Identifiers: Orphanet 98811, MedGen C1842534, MONDO:0012805, OMIM 612126.
Hereditary cryohydrocytosis with reduced stomatin. Also called: GLUT1 DEFICIENCY SYNDROME WITH PSEUDOHYPERKALEMIA AND HEMOLYSIS; Stomatin-deficient cryohydrocytosis with neurologic defects. Identifiers: Orphanet 168577, MedGen C1837206, MONDO:0012143, OMIM 608885.
Dystonia 9 (DYT9). Also called: CHOREOATHETOSIS, KINESIGENIC, WITH EPISODIC ATAXIA AND SPASTICITY. Identifiers: Orphanet 53583, MedGen C1832855, MONDO:0010983, OMIM 601042.
Encephalopathy due to GLUT1 deficiency. Also called: GLUT1 deficiency syndrome 1, infantile onset, severe; GLUCOSE TRANSPORT DEFECT, BLOOD-BRAIN BARRIER; Classic Glucose Transporter Type 1 Deficiency Syndrome; De Vivo disease; GLUT1 deficiency syndrome 1; Glucose transporter protein syndrome. Identifiers: Orphanet 71277, MedGen C4551966, MONDO:0011724, OMIM 606777.
GLUT1 deficiency syndrome 1, autosomal recessive. Identifiers: MedGen C3149117.

Allele frequency attached by ClinVar (database versions not stated): gnomAD exomes below 0.00001.
gnomAD v4.1: 1 of 1,613,922 alleles (0.000062%); highest among the groups gnomAD compares: Middle Eastern, 0.016%; no homozygotes.

Submissions (7):

GeneDx
Classification: Uncertain significance. Last evaluated: 2025-12-20. Review status: criteria provided, single submitter. Criteria: GeneDx Variant Classification Process June 2021. Collection method: clinical testing. Allele origin: germline. Affected: yes.
Comment: Not observed at significant frequency in large population cohorts (gnomAD); In silico analysis suggests that this missense variant does not alter protein structure/function; Has not been previously published as pathogenic or benign to our knowledge

Genome-Nilou Lab
Classification: Uncertain significance for Epilepsy, idiopathic generalized, susceptibility to, 12. Last evaluated: 2023-04-11. Review status: criteria provided, single submitter. Criteria: ACMG Guidelines, 2015. Collection method: clinical testing. Allele origin: germline. Affected: no.

Genome-Nilou Lab
Classification: Uncertain significance for Dystonia 9. Last evaluated: 2023-04-11. Review status: criteria provided, single submitter. Criteria: ACMG Guidelines, 2015. Collection method: clinical testing. Allele origin: germline. Affected: no.

Genome-Nilou Lab
Classification: Uncertain significance for Encephalopathy due to GLUT1 deficiency. Last evaluated: 2023-04-11. Review status: criteria provided, single submitter. Criteria: ACMG Guidelines, 2015. Collection method: clinical testing. Allele origin: germline. Affected: no.

Genome-Nilou Lab
Classification: Uncertain significance for Childhood onset GLUT1 deficiency syndrome 2. Last evaluated: 2023-04-11. Review status: criteria provided, single submitter. Criteria: ACMG Guidelines, 2015. Collection method: clinical testing. Allele origin: germline. Affected: no.

Genome-Nilou Lab
Classification: Uncertain significance for Hereditary cryohydrocytosis with reduced stomatin. Last evaluated: 2023-04-11. Review status: criteria provided, single submitter. Criteria: ACMG Guidelines, 2015. Collection method: clinical testing. Allele origin: germline. Affected: no.

Labcorp Genetics (formerly Invitae), Labcorp
Classification: Uncertain significance for GLUT1 deficiency syndrome 1, autosomal recessive. Last evaluated: 2022-10-17. Review status: criteria provided, single submitter. Criteria: Invitae Variant Classification Sherloc (09022015). Collection method: clinical testing. Allele origin: germline.
Comment: In summary, the available evidence is currently insufficient to determine the role of this variant in disease. Therefore, it has been classified as a Variant of Uncertain Significance. This sequence change replaces valine, which is neutral and non-polar, with alanine, which is neutral and non-polar, at codon 370 of the SLC2A1 protein (p.Val370Ala). This variant is present in population databases (rs796053259, gnomAD no frequency). This variant has not been reported in the literature in individuals affected with SLC2A1-related conditions. ClinVar contains an entry for this variant (Variation ID: 207208). Advanced modeling of protein sequence and biophysical properties (such as structural, functional, and spatial information, amino acid conservation, physicochemical variation, residue mobility, and thermodynamic stability) has been performed at Invitae for this missense variant, however the output from this modeling did not meet the statistical confidence thresholds required to predict the impact of this variant on SLC2A1 protein function.